The following is an entry in ClinVar:

NM_000350.3(ABCA4):c.4568A>G (p.Gln1523Arg)

Gene: ABCA4 (ATP binding cassette subfamily A member 4; minus strand). Cytogenetic location: 1p22.1.
Variant type: single nucleotide variant.
Coding change: c.4568A>G on transcript NM_000350.3 (MANE Select); coding-DNA position 4568, A replaced by G.
Protein change: p.Gln1523Arg; replaces glutamine 1523 with arginine.
Molecular consequence: missense variant.
Genome position (GRCh38, 1-based): chr1:94,025,020, T>C on the plus strand (A>G on the coding strand, the complement: ABCA4 is on the minus strand). VCF-style: chr1-94025020-T-C. GRCh37 (hg19) VCF-style: chr1-94490576-T-C.
Other names: c.4346A>G, p.Gln1449Arg (NM_001425324.1); short protein forms Q1523R, Q1449R.
Identifiers: ClinVar variation 1499903 (VCV001499903.8), dbSNP rs2101027761, ClinGen allele CA341284695.
Genomic context (GRCh38, chr1:94,025,020, plus strand): 5'-CTTATAAGAGCAGGATACGTTTTTACCAAGAAGTCGGAGATGTTCCTGTCCGTCAGGTCT[T>C]GTAGAATTTCCGTGCTGCGCTGTGTTCTCTGAGGCAATGAGACACCCACGTTAATTACCT-3'
Protein context (NP_000341.2, residues 1513-1533): QRTQRSTEIL[Gln1523Arg]DLTDRNISDF

ClinVar aggregate classification (germline): Uncertain significance (1 of 4 stars; one submission).

Submission:

Labcorp Genetics (formerly Invitae), Labcorp
Classification: Uncertain significance. Last evaluated: 2020-12-19. Review status: criteria provided, single submitter. Criteria: Invitae Variant Classification Sherloc (09022015). Collection method: clinical testing. Allele origin: germline.
Comment: In summary, the available evidence is currently insufficient to determine the role of this variant in disease. Therefore, it has been classified as a Variant of Uncertain Significance. Algorithms developed to predict the effect of missense changes on protein structure and function are either unavailable or do not agree on the potential impact of this missense change (SIFT: "Deleterious"; PolyPhen-2: "Benign"; Align-GVGD: "Class C35"). This variant has been observed in individual(s) with clinical features of inherited retinal dystrophy (Invitae). This variant is not present in population databases (ExAC no frequency). This sequence change replaces glutamine with arginine at codon 1523 of the ABCA4 protein (p.Gln1523Arg). The glutamine residue is highly conserved and there is a small physicochemical difference between glutamine and arginine.